The following is an entry in ClinVar:

ClinVar aggregate classification (germline): Uncertain significance. Review status: criteria provided, multiple submitters, no conflicts (2 of 4 stars). 3 submissions from 3 submitters: Uncertain significance (3). Last evaluated 2026-02-01.

Conditions:
Hereditary cancer-predisposing syndrome. Also called: Hereditary neoplastic syndrome; Hereditary Cancer Syndrome; Neoplastic Syndromes, Hereditary; Tumor predisposition. Identifiers: Orphanet 140162, MedGen C0027672, MeSH D009386, MONDO:0015356.
Ataxia-telangiectasia syndrome (AT). Also called: Ataxia-telangiectasia, complementation group D; Cerebello-oculocutaneous telangiectasia; Immunodeficiency with ataxia telangiectasia; ATAXIA-TELANGIECTASIA, COMPLEMENTATION GROUP A; ATAXIA-TELANGIECTASIA, FRESNO VARIANT; LOUIS-BAR SYNDROME. Identifiers: Orphanet 100, MedGen C0004135, MONDO:0008840, OMIM 208900.

Allele frequency attached by ClinVar (database versions not stated): gnomAD 0.00001.
gnomAD v4.1: 1 of 1,613,824 alleles (0.000062%); highest among the groups gnomAD compares: Admixed American, 0.0017%; no homozygotes.

Submissions (3):

Labcorp Genetics (formerly Invitae), Labcorp
Classification: Uncertain significance for Ataxia-telangiectasia syndrome. Last evaluated: 2026-02-01. Review status: criteria provided, single submitter. Criteria: Invitae Variant Classification Sherloc (09022015). Collection method: clinical testing. Allele origin: germline.
Comment: This sequence change replaces lysine, which is basic and polar, with threonine, which is neutral and polar, at codon 342 of the ATM protein (p.Lys342Thr). This variant is not present in population databases (gnomAD no frequency). This variant has not been reported in the literature in individuals affected with ATM-related conditions. ClinVar contains an entry for this variant (Variation ID: 419808). Invitae Evidence Modeling of protein sequence and biophysical properties (such as structural, functional, and spatial information, amino acid conservation, physicochemical variation, residue mobility, and thermodynamic stability) indicates that this missense variant is not expected to disrupt ATM protein function with a negative predictive value of 95%. In summary, the available evidence is currently insufficient to determine the role of this variant in disease. Therefore, it has been classified as a Variant of Uncertain Significance.

Ambry Genetics
Classification: Uncertain significance for Hereditary cancer-predisposing syndrome. Last evaluated: 2023-06-14. Review status: criteria provided, single submitter. Criteria: Ambry Variant Classification Scheme 2023. Collection method: clinical testing. Allele origin: germline.
Comment: The p.K342T variant (also known as c.1025A>C), located in coding exon 7 of the ATM gene, results from an A to C substitution at nucleotide position 1025. The lysine at codon 342 is replaced by threonine, an amino acid with similar properties. This amino acid position is highly conserved in available vertebrate species. In addition, this alteration is predicted to be deleterious by in silico analysis. Since supporting evidence is limited at this time, the clinical significance of this alteration remains unclear.

GeneDx
Classification: Uncertain significance. Last evaluated: 2015-09-12. Review status: criteria provided, single submitter. Criteria: GeneDx Variant Classification (06012015). Collection method: clinical testing. Allele origin: germline. Affected: yes.
Comment: This variant is denoted ATM c.1025A>C at the cDNA level, p.Lys342Thr (K342T) at the protein level, and results in the change of a Lysine to a Threonine (AAA>ACA). This variant has not, to our knowledge, been published in the literature as pathogenic or benign. ATM Lys342Thr was not observed in approximately 6,500 individuals of European and African American ancestry in the NHLBI Exome Sequencing Project, indicating it is not a common benign variant in these populations. Since Lysine and Threonine differ in some properties, this is considered a semi-conservative amino acid substitution. ATM Lys342Thr occurs at a position that is conserved across species and is not located in a known functional domain (Stracker 2013). In silico analyses are inconsistent regarding the effect this variant may have on protein structure and function. Based on currently available information, it is unclear whether ATM Lys342Thr is pathogenic or benign. We consider it to be a variant of uncertain significance.

NM_000051.4(ATM):c.1025A>C (p.Lys342Thr)

Gene: ATM (ATM serine/threonine kinase; plus strand). Cytogenetic location: 11q22.3.
Variant type: single nucleotide variant.
Coding change: c.1025A>C on transcript NM_000051.4 (MANE Select); coding-DNA position 1025, A replaced by C.
Protein change: p.Lys342Thr; replaces lysine 342 with threonine.
Molecular consequence: missense variant.
Genome position (GRCh38, 1-based): chr11:108,247,087, A>C. VCF-style: chr11-108247087-A-C. GRCh37 (hg19) VCF-style: chr11-108117814-A-C.
Other names: c.1025A>C, p.Lys342Thr (NM_001351834.2); short protein forms K342T.
Identifiers: ClinVar variation 419808 (VCV000419808.11), dbSNP rs1064794119, ClinGen allele CA16619105.